The following is an entry in ClinVar:

NM_001374736.1(DST):c.20756A>G (p.Gln6919Arg)

Gene: DST (dystonin; minus strand). Cytogenetic location: 6p12.1.
Variant type: single nucleotide variant.
Coding change: c.20756A>G on transcript NM_001374736.1 (MANE Select); coding-DNA position 20756, A replaced by G.
Protein change: p.Gln6919Arg; replaces glutamine 6919 with arginine.
Molecular consequence: missense variant.
Genome position (GRCh38, 1-based): chr6:56,492,228, T>C on the plus strand (A>G on the coding strand, the complement: DST is on the minus strand). VCF-style: chr6-56492228-T-C. GRCh37 (hg19) VCF-style: chr6-56357026-T-C.
Other names: c.14399A>G, p.Gln4800Arg (NM_001144769.5); c.13985A>G, p.Gln4662Arg (NM_001144770.2); c.20756A>G, p.Gln6919Arg (NM_001374722.1); c.19796A>G, p.Gln6599Arg (NM_001374729.1); c.13538A>G, p.Gln4513Arg (NM_001374730.1); c.20783A>G, p.Gln6928Arg (NM_001374734.1); c.12887A>G, p.Gln4296Arg (NM_015548.5); c.13865A>G, p.Gln4622Arg (NM_183380.4); short protein forms Q4662R, Q4800R, Q6599R, Q6919R, Q4296R, Q6928R, Q4513R, Q4622R.
Identifiers: ClinVar variation 968048 (VCV000968048.6), dbSNP rs771106035, ClinGen allele CA3866686.

ClinVar aggregate classification (germline): Uncertain significance (1 of 4 stars; one submission).

Conditions:
Hereditary sensory and autonomic neuropathy type 6. Also called: Neuropathy, hereditary sensory and autonomic, type VI; HSAN VI. Identifiers: Orphanet 314381, MedGen C3539003, MONDO:0013839, OMIM 614653.
Epidermolysis bullosa simplex 3, localized or generalized intermediate, with BP230 deficiency (EBS3). Also called: Epidermolysis bullosa simplex, autosomal recessive 2; Epidermolysis bullosa simplex due to BP230 deficiency. Identifiers: Orphanet 412181, MedGen C3809470, MONDO:0014180, OMIM 615425.

Allele frequency attached by ClinVar (database versions not stated): gnomAD exomes below 0.00001; ExAC 0.00001.
gnomAD v4.1: 6 of 1,613,468 alleles (0.00037%); highest among the groups gnomAD compares: Admixed American, 0.005%; no homozygotes.

Submission:

Labcorp Genetics (formerly Invitae), Labcorp
Classification: Uncertain significance for Epidermolysis bullosa simplex 3, localized or generalized intermediate, with BP230 deficiency; Hereditary sensory and autonomic neuropathy type 6. Last evaluated: 2019-01-31. Review status: criteria provided, single submitter. Criteria: Invitae Variant Classification Sherloc (09022015). Collection method: clinical testing. Allele origin: germline.
Comment: In summary, the available evidence is currently insufficient to determine the role of this variant in disease. Therefore, it has been classified as a Variant of Uncertain Significance. Algorithms developed to predict the effect of missense changes on protein structure and function are either unavailable or do not agree on the potential impact of this missense change (SIFT: "Tolerated"; PolyPhen-2: "Not Available"; Align-GVGD: "Class C0"). This variant has not been reported in the literature in individuals with DST-related conditions. This variant is present in population databases (rs771106035, ExAC 0.002%). This sequence change replaces glutamine with arginine at codon 4296 of the DST protein (p.Gln4296Arg). The glutamine residue is moderately conserved and there is a small physicochemical difference between glutamine and arginine.¬†The DST gene has multiple clinically relevant transcripts. The p.Gln4296Arg variant occurs in alternate transcript¬†NM_015548.4, which corresponds to *123289A>G¬†in NM_001723.5, the primary transcript listed in the Methods.